The following is an entry in ClinVar:

ClinVar aggregate classification (germline): Pathogenic. Review status: criteria provided, multiple submitters, no conflicts (2 of 4 stars). 3 submissions from 3 submitters: Pathogenic (3). Last evaluated 2025-05-16.

Conditions:
Hereditary cancer-predisposing syndrome. Also called: Neoplastic Syndromes, Hereditary; Tumor predisposition; Hereditary Cancer Syndrome; Hereditary neoplastic syndrome. Identifiers: Orphanet 140162, MedGen C0027672, MeSH D009386, MONDO:0015356.

Submissions (3):

Dasa
Classification: Pathogenic. Last evaluated: 2025-05-16. Review status: criteria provided, single submitter. Criteria: DASA Assertion Criteria. Collection method: clinical testing. Allele origin: germline.
Comment: NM_000143.4(FH):c.551del (p.Ser184Thrfs*18) introduces a premature termination codon predicted to result in loss of normal protein function. Loss-of-function is an established mechanism of disease for this gene. This variant has been reported in individuals with related phenotype. This variant has been reported in individuals with related phenotype. The variant is present at low frequency in population datasets. Based on the available data, this variant is classified as pathogenic.

Labcorp Genetics (formerly Invitae), Labcorp
Classification: Pathogenic. Last evaluated: 2024-10-16. Review status: criteria provided, single submitter. Criteria: Invitae Variant Classification Sherloc (09022015). Collection method: clinical testing. Allele origin: germline.
Comment: This sequence change creates a premature translational stop signal (p.Ser184Thrfs*18) in the FH gene. It is expected to result in an absent or disrupted protein product. Loss-of-function variants in FH are known to be pathogenic (PMID: 11865300, 21398687). This variant is not present in population databases (gnomAD no frequency). This variant has not been reported in the literature in individuals affected with FH-related conditions. ClinVar contains an entry for this variant (Variation ID: 1748075). For these reasons, this variant has been classified as Pathogenic.

Ambry Genetics
Classification: Pathogenic for Hereditary cancer-predisposing syndrome. Last evaluated: 2019-05-02. Review status: criteria provided, single submitter. Criteria: Ambry Variant Classification Scheme 2023. Collection method: clinical testing. Allele origin: germline.
Comment: The c.551delG pathogenic mutation, located in coding exon 4 of the FH gene, results from a deletion of one nucleotide at nucleotide position 551, causing a translational frameshift with a predicted alternate stop codon (p.S184Tfs*18). This alteration is expected to result in loss of function by premature protein truncation or nonsense-mediated mRNA decay. As such, this alteration is interpreted as a disease-causing mutation.

Literature cited by the submitters: PubMed 11865300 (cited by Labcorp Genetics (formerly Invitae), Labcorp); PubMed 21398687 (cited by Labcorp Genetics (formerly Invitae), Labcorp).

NM_000143.4(FH):c.551del (p.Ser184fs)

Gene: FH (fumarate hydratase; minus strand). Cytogenetic location: 1q43.
Variant type: Deletion.
Coding change: c.551del on transcript NM_000143.4 (MANE Select); coding-DNA position 551, one base deleted (G; older notation c.551delG).
Protein change: p.Ser184fs; shifts the reading frame from serine 184.
Molecular consequence: frameshift variant.
Genome position (GRCh38, 1-based): chr1:241,511,971, C deleted on the plus strand (G on the coding strand, the reverse complement: FH is on the minus strand). VCF-style (leftmost placement, unchanged base first): chr1-241511970-GC-G. GRCh37 (hg19) VCF-style: chr1-241675270-GC-G.
Other names: short protein forms S184fs.
Identifiers: ClinVar variation 1748075 (VCV001748075.5), dbSNP rs2527332427, ClinGen allele CA2580063437.
Genomic context (GRCh38, chr1:241,511,970, plus strand): 5'-AATCTCAGGTATGCTTTTCAATTTATAACCAAAAAACAGCAAAGCTCACATACTGACCTG[GC>G]TTTTATTAACATGATCGTTGGGATGCACAGGTATCTTGCTGCCAAGTTCACCTCCTAACA-3'